The following is an entry in ClinVar:

NM_001085049.3(MRAS):c.347+6_347+22del

Gene: MRAS (muscle RAS oncogene homolog; plus strand). Cytogenetic location: 3q22.3.
Variant type: Deletion.
Coding change: c.347+6_347+22del on transcript NM_001085049.3 (MANE Select); bases 6 to 22 of the intron after coding-DNA position 347, 17 bases deleted (CATCAAAGACAGGTGAG).
Molecular consequence: splice donor variant.
Genome position (GRCh38, 1-based): chr3:138,397,483-138,397,499, CATCAAAGACAGGTGAG deleted; deleting any 17 consecutive bases within chr3:138,397,468-138,397,499 gives the same sequence; the c. name uses the placement nearest the transcript's 3' end. VCF-style (leftmost placement, unchanged base first): chr3-138397467-GTCAAAGACAGGTGAGCA-G. GRCh37 (hg19) VCF-style: chr3-138116309-GTCAAAGACAGGTGAGCA-G.
Other names: c.347+6_347+22del (NM_012219.4, NM_001252090.2); c.119+6_119+22del (NM_001252091.1, NM_001252093.2, NM_001252092.2).
Identifiers: ClinVar variation 1353763 (VCV001353763.8), dbSNP rs773578655, ClinGen allele CA546892141.
Genomic context (GRCh38, chr3:138,397,467, plus strand): 5'-TCCGTCACTGACAAGGCCAGCTTTGAGCACGTGGACCGCTTCCACCAGCTTATCCTGCGC[GTCAAAGACAGGTGAGCA>G]TCAAAGACAGGTGAGAGTACCGGGAAGAGGCCTGCGCCTGCCTCCTAGGGCGCTCTCTCT-3'

ClinVar aggregate classification (germline): Uncertain significance. Review status: criteria provided, multiple submitters, no conflicts (2 of 4 stars). 2 submissions from 2 submitters: Uncertain significance (2). Last evaluated 2025-10-27.

Conditions:
Noonan syndrome 11. Identifiers: MedGen C5193130, MONDO:0032786, OMIM 618499.

Submissions (2):

Labcorp Genetics (formerly Invitae), Labcorp
Classification: Uncertain significance. Last evaluated: 2025-10-27. Review status: criteria provided, single submitter. Criteria: Invitae Variant Classification Sherloc (09022015). Collection method: clinical testing. Allele origin: germline.
Comment: This sequence change falls in intron 3 of the MRAS gene. It does not directly change the encoded amino acid sequence of the MRAS protein. It affects a nucleotide within the consensus splice site. This variant is present in population databases (no rsID available, gnomAD 0.003%). This variant has not been reported in the literature in individuals affected with MRAS-related conditions. ClinVar contains an entry for this variant (Variation ID: 1353763). Variants that disrupt the consensus splice site are a relatively common cause of aberrant splicing (PMID: 17576681, 9536098). In summary, the available evidence is currently insufficient to determine the role of this variant in disease. Therefore, it has been classified as a Variant of Uncertain Significance.

St. Jude Molecular Pathology, St. Jude Children's Research Hospital
Classification: Uncertain significance for Noonan syndrome 11. Last evaluated: 2025-06-17. Review status: criteria provided, single submitter. Criteria: St. Jude Assertion Criteria 2020. Collection method: clinical testing. Allele origin: germline.
Comment: The MRAS c.347+6_347+22del intronic change deletes 17 nucleotides at the +6 to +22 position of intron 3 of the MRAS gene. Algorithms that predict the impact of sequence changes on splicing indicate that this variant likely does not affect splicing but to our knowledge these predictions have not been confirmed by RNA studies. To our knowledge, this variant has not been reported in individuals with Noonan syndrome. In summary, the evidence currently available is insufficient to determine the clinical significance of this variant. It has therefore been classified as of uncertain significance.

Literature cited by the submitters: PubMed 17576681 (cited by Labcorp Genetics (formerly Invitae), Labcorp); PubMed 9536098 (cited by Labcorp Genetics (formerly Invitae), Labcorp).